The following is an entry in ClinVar:

NM_022662.4(ANAPC1):c.428-12C>G

Gene: ANAPC1 (anaphase promoting complex subunit 1; minus strand). Cytogenetic location: 2q13.
Variant type: single nucleotide variant.
Coding change: c.428-12C>G on transcript NM_022662.4 (MANE Select); 12 bases into the intron before coding-DNA position 428, C replaced by G.
Molecular consequence: intron variant.
Genome position (GRCh38, 1-based): chr2:111,873,420, G>C on the plus strand (C>G on the coding strand, the complement: ANAPC1 is on the minus strand). VCF-style: chr2-111873420-G-C. GRCh37 (hg19) VCF-style: chr2-112630997-G-C.
Other names: NC_000002.11:g.112630997G>C.
Identifiers: ClinVar variation 4502765 (VCV004502765.2).

ClinVar aggregate classification (germline): Benign (1 of 4 stars; one submission).

Submissions (21):

Women's Health and Genetics/Laboratory Corporation of America, LabCorp
Classification: Benign. Last evaluated: 2026-05-20. Review status: criteria provided, single submitter. Criteria: LabCorp Variant Classification Summary - May 2015. Collection method: clinical testing. Allele origin: germline.
Comment: Variant summary: ANAPC1 c.428-12C>G alters a non-conserved nucleotide located at a position not widely known to affect splicing. Consensus agreement among computation tools predict no significant impact on normal splicing. However, these predictions have yet to be confirmed by functional studies. The variant allele was found at a frequency of 0.012 in 233846 control chromosomes, predominantly at a frequency of 0.017 within the Non-Finnish European subpopulation in the gnomAD database, including 25 homozygotes. The observed variant frequency within Non-Finnish European control individuals in the gnomAD database exceeds the estimated maximal expected allele frequency for disease-causing variants in ANAPC1. To our knowledge, no occurrence of c.428-12C>G in individuals affected with ANAPC1-related conditions and no experimental evidence demonstrating its impact on protein function have been reported. No submitters have cited clinical-significance assessments for this variant to ClinVar. Based on the evidence outlined above, the variant was classified as benign.

Dr. Peter K. Rogan Lab, Western University
No classification provided (evidence only). Condition: Familial cancer of breast. Review status: no classification provided. Collection method: in vitro. Allele origin: not applicable. Functional consequence: retained intron. Not counted in ClinVar's aggregate classification.

Dr. Peter K. Rogan Lab, Western University
No classification provided (evidence only). Condition: Familial cancer of breast. Review status: no classification provided. Collection method: in vitro. Allele origin: not applicable. Functional consequence: skipped exon, retained intron. Not counted in ClinVar's aggregate classification.

Dr. Peter K. Rogan Lab, Western University
No classification provided (evidence only). Condition: Uterine corpus endometrial carcinoma. Review status: no classification provided. Collection method: in vitro. Allele origin: not applicable. Functional consequence: retained intron. Not counted in ClinVar's aggregate classification.

Dr. Peter K. Rogan Lab, Western University
No classification provided (evidence only). Condition: Cervical cancer. Review status: no classification provided. Collection method: in vitro. Allele origin: not applicable. Functional consequence: retained intron. Not counted in ClinVar's aggregate classification.

Dr. Peter K. Rogan Lab, Western University
No classification provided (evidence only). Condition: Cervical cancer. Review status: no classification provided. Collection method: in vitro. Allele origin: not applicable. Functional consequence: retained intron. Not counted in ClinVar's aggregate classification.

Dr. Peter K. Rogan Lab, Western University
No classification provided (evidence only). Condition: Cervical cancer. Review status: no classification provided. Collection method: in vitro. Allele origin: not applicable. Functional consequence: retained intron. Not counted in ClinVar's aggregate classification.

Dr. Peter K. Rogan Lab, Western University
No classification provided (evidence only). Condition: Sarcoma. Review status: no classification provided. Collection method: in vitro. Allele origin: not applicable. Functional consequence: retained intron. Not counted in ClinVar's aggregate classification.

Dr. Peter K. Rogan Lab, Western University
No classification provided (evidence only). Condition: Cholangiocarcinoma. Review status: no classification provided. Collection method: in vitro. Allele origin: not applicable. Functional consequence: retained intron. Not counted in ClinVar's aggregate classification.

Dr. Peter K. Rogan Lab, Western University
No classification provided (evidence only). Condition: Ovarian serous cystadenocarcinoma. Review status: no classification provided. Collection method: in vitro. Allele origin: not applicable. Functional consequence: retained intron. Not counted in ClinVar's aggregate classification.

Dr. Peter K. Rogan Lab, Western University
No classification provided (evidence only). Condition: Ovarian serous cystadenocarcinoma. Review status: no classification provided. Collection method: in vitro. Allele origin: not applicable. Functional consequence: retained intron. Not counted in ClinVar's aggregate classification.

Dr. Peter K. Rogan Lab, Western University
No classification provided (evidence only). Condition: Ovarian serous cystadenocarcinoma. Review status: no classification provided. Collection method: in vitro. Allele origin: not applicable. Functional consequence: retained intron. Not counted in ClinVar's aggregate classification.

Dr. Peter K. Rogan Lab, Western University
No classification provided (evidence only). Condition: Chronic lymphocytic leukemia/small lymphocytic lymphoma. Review status: no classification provided. Collection method: in vitro. Allele origin: not applicable. Functional consequence: retained intron. Not counted in ClinVar's aggregate classification.

Dr. Peter K. Rogan Lab, Western University
No classification provided (evidence only). Condition: Chronic lymphocytic leukemia/small lymphocytic lymphoma. Review status: no classification provided. Collection method: in vitro. Allele origin: not applicable. Functional consequence: retained intron. Not counted in ClinVar's aggregate classification.

Dr. Peter K. Rogan Lab, Western University
No classification provided (evidence only). Condition: Nonpapillary renal cell carcinoma. Review status: no classification provided. Collection method: in vitro. Allele origin: not applicable. Functional consequence: retained intron. Not counted in ClinVar's aggregate classification.

Dr. Peter K. Rogan Lab, Western University
No classification provided (evidence only). Condition: Nonpapillary renal cell carcinoma. Review status: no classification provided. Collection method: in vitro. Allele origin: not applicable. Functional consequence: retained intron. Not counted in ClinVar's aggregate classification.

Dr. Peter K. Rogan Lab, Western University
No classification provided (evidence only). Condition: Familial pancreatic carcinoma. Review status: no classification provided. Collection method: in vitro. Allele origin: not applicable. Functional consequence: retained intron. Not counted in ClinVar's aggregate classification.

Dr. Peter K. Rogan Lab, Western University
No classification provided (evidence only). Condition: Familial pancreatic carcinoma. Review status: no classification provided. Collection method: in vitro. Allele origin: not applicable. Functional consequence: retained intron. Not counted in ClinVar's aggregate classification.

Dr. Peter K. Rogan Lab, Western University
No classification provided (evidence only). Condition: Lymphoma. Review status: no classification provided. Collection method: in vitro. Allele origin: not applicable. Functional consequence: retained intron. Not counted in ClinVar's aggregate classification.

Dr. Peter K. Rogan Lab, Western University
No classification provided (evidence only). Condition: Lymphoma. Review status: no classification provided. Collection method: in vitro. Allele origin: not applicable. Functional consequence: retained intron. Not counted in ClinVar's aggregate classification.

Dr. Peter K. Rogan Lab, Western University
No classification provided (evidence only). Condition: Lymphoma. Review status: no classification provided. Collection method: in vitro. Allele origin: not applicable. Functional consequence: retained intron. Not counted in ClinVar's aggregate classification.